The following is an entry in ClinVar:

ClinVar aggregate classification (germline): Pathogenic. Review status: criteria provided, multiple submitters, no conflicts (2 of 4 stars). 17 submissions from 17 submitters: Pathogenic (15). 2 of the submissions do not count toward it. Last evaluated 2026-09-01.

Conditions:
GBA-related disorder. Also called: GBA-related disorders.
GBA1-related disorder. Also called: GBA1-related condition.
Gaucher disease-ophthalmoplegia-cardiovascular calcification syndrome. Also called: GAUCHER DISEASE, TYPE IIIC. Identifiers: Orphanet 2072, MedGen C1856476, MONDO:0009268, OMIM 231005.
Lewy body dementia (DLB). Also called: Lewy Body Disease. Identifiers: MedGen C0752347, MONDO:0007488, OMIM 127750.
Parkinson disease, late-onset (PD). Also called: PARKINSON DISEASE, LATE-ONSET, SUSCEPTIBILITY TO; Susceptibility to Parkinson's Disease; Hereditary late onset Parkinson disease. Identifiers: Orphanet 411602, MedGen C3160718, MONDO:0008199, OMIM 168600.
Gaucher disease perinatal lethal. Also called: Gaucher disease collodion type; Gaucher Disease, Perinatal-Lethal Form. Identifiers: Orphanet 85212, MedGen C1842704, MONDO:0011945, OMIM 608013.
Gaucher disease type I (GD1). Also called: Gaucher's disease, type 1; ACID BETA-GLUCOSIDASE DEFICIENCY; GAUCHER DISEASE, NONCEREBRAL JUVENILE; GBA DEFICIENCY; GD I; GLUCOCEREBROSIDASE DEFICIENCY. Identifiers: Orphanet 355, Orphanet 77259, MedGen C1961835, MONDO:0009265, OMIM 230800.
Gaucher disease type II (GD2). Also called: GAUCHER DISEASE, ACUTE NEURONOPATHIC TYPE; GD II; Acute neuronopathic Gaucher's disease; Type 2 Gaucher disease (Acute; Infantile). Identifiers: Orphanet 77260, MedGen C0268250, MONDO:0009266, OMIM 230900.
Gaucher disease type III. Also called: GAUCHER DISEASE, CHRONIC NEURONOPATHIC TYPE; GAUCHER DISEASE, JUVENILE AND ADULT, CEREBRAL; GAUCHER DISEASE, SUBACUTE NEURONOPATHIC TYPE; GD III; Subacute neuronopathic Gaucher's disease; Type 3 Gaucher disease (Subacute; Juvenile). Identifiers: Orphanet 355, Orphanet 77261, MedGen C0268251, MONDO:0009267, OMIM 231000.
Gaucher disease. Also called: Acute cerebral Gaucher disease; Cerebroside lipidosis syndrome; Gaucher splenomegaly; Sphingolipidosis 1; Glucocerebrosidosis; Glucosylceramidase deficiency. Identifiers: Orphanet 355, MedGen C0017205, MONDO:0018150.

Allele frequency attached by ClinVar (database versions not stated): ExAC 0.00005; gnomAD 0.00005 and 0.00006; gnomAD exomes 0.00005; TOPMed 0.00005.

Submissions 1 to 11 of 17:

PreventionGenetics, part of Exact Sciences
Classification: Pathogenic for GBA1-related condition. Last evaluated: 2026-09-01. Review status: criteria provided, single submitter. Criteria: ACMG Guidelines, 2015. Collection method: clinical testing. Allele origin: germline.
Comment: The GBA1 c.84dupG variant is predicted to result in a frameshift and premature protein termination (p.Leu29Alafs*18). This variant is known to be causative for autosomal recessive Gaucher disease (see, for example, Beutler et al. 1991. PubMed ID: 1961718; Koprivica et al. 2000. PubMed ID: 10796875). This variant is reported in 0.077% of alleles in individuals of Ashkenazi Jewish descent in gnomAD. This variant has been classified as pathogenic by multiple independent submitters to the ClinVar database (Variation ID: 4302). Given the evidence, we interpret this variant as pathogenic.

Natera, Inc.
Classification: Pathogenic for Gaucher disease. Last evaluated: 2025-12-15. Review status: criteria provided, single submitter. Criteria: Natera Variant Classification Schema (03/2026). Collection method: clinical testing. Allele origin: germline.
Comment: The c.84dupG variant in GBA1 is a frameshift variant predicted to shift the reading frame beginning at codon 29 and leads to a stop codon 18 codons downstream. This variant is expected to result in nonsense mediated decay, truncation, or a dysfunctional protein product. This variant is rare in the general population with a frequency below the threshold expected for the associated phenotype(s). This variant has been observed in one or more individuals affected with the associated recessive disease, as either homozygous or compound heterozygous with a second variant (PMID: 34017912). Given the available evidence, this variant is classified as Pathogenic.

CeGaT Center for Human Genetics Tuebingen
Classification: Pathogenic. Last evaluated: 2025-11-01. Review status: criteria provided, single submitter. Criteria: CeGaT Center For Human Genetics Tuebingen Variant Classification Criteria Version 2. Collection method: clinical testing. Allele origin: germline. Affected: yes. Observed: 2 variant alleles.
Comment: GBA1: PM3:Very Strong, PVS1, PM2

Labcorp Genetics (formerly Invitae), Labcorp
Classification: Pathogenic. Last evaluated: 2025-10-18. Review status: criteria provided, single submitter. Criteria: Invitae Variant Classification Sherloc (09022015). Collection method: clinical testing. Allele origin: germline.
Comment: This sequence change creates a premature translational stop signal (p.Leu29Alafs*18) in the GBA gene. It is expected to result in an absent or disrupted protein product. Loss-of-function variants in GBA are known to be pathogenic (PMID: 9153297, 10079102, 10796875, 11783951). This variant is present in population databases (rs387906315, gnomAD 0.09%). This premature translational stop signal has been observed in individuals with Gaucher disease and/or Parkinson's disease and dementia with Lewy bodies (PMID: 1961718, 21742527, 25653295, 25933391, 26096741, 27717005). This variant is also known as 84GG. ClinVar contains an entry for this variant (Variation ID: 4302). For these reasons, this variant has been classified as Pathogenic.

Mayo Clinic Laboratories, Mayo Clinic
Classification: Pathogenic. Last evaluated: 2025-07-17. Review status: criteria provided, single submitter. Criteria: ACMG Guidelines, 2015. Collection method: clinical testing. Allele origin: germline. Observed: 2 variant alleles.
Comment: PP4, PP5, PM2_supporting, PS4, PVS1

Blueprint Genetics
Classification: Pathogenic for GBA-related disorders. Last evaluated: 2024-10-07. Review status: criteria provided, single submitter. Criteria: ACMG Guidelines, 2015. Collection method: clinical testing. Allele origin: germline. Affected: yes. Observed: 3 variant alleles.

Revvity Omics, Revvity
Classification: Pathogenic. Last evaluated: 2024-05-30. Review status: criteria provided, single submitter. Criteria: ACMG Guidelines, 2015. Collection method: clinical testing. Allele origin: germline.

GeneDx
Classification: Pathogenic. Last evaluated: 2022-02-08. Review status: criteria provided, single submitter. Criteria: GeneDx Variant Classification Process June 2021. Collection method: clinical testing. Allele origin: germline. Affected: yes.
Comment: Identified in the heterozygous state in patients with Parkinson disease, but also in control individuals (Ruskey et al., 2019; Gan-Or et al., 2015; Choi et al., 2011); Frameshift variant predicted to result in protein truncation or nonsense mediated decay in a gene for which loss-of-function is a known mechanism of disease; This variant is associated with the following publications: (PMID: 10796875, 21228398, 25653295, 26096741, 22975760, 27717005, 25946768, 21700325, 29842932, 8889578, 7789963, 8516282, 34017912, 29471591, 17875915, 21742527, 1961718)

AiLife Diagnostics
Classification: Pathogenic. Last evaluated: 2021-12-28. Review status: criteria provided, single submitter. Criteria: ACMG Guidelines, 2015. Collection method: clinical testing. Allele origin: germline. Affected: yes. Observed: 2 variant alleles.

Fulgent Genetics
Classification: Pathogenic for Lewy body dementia; Parkinson disease, late-onset; Gaucher disease type I; Gaucher disease type II; Gaucher disease type III; Gaucher disease-ophthalmoplegia-cardiovascular calcification syndrome; Gaucher disease perinatal lethal. Last evaluated: 2021-07-20. Review status: criteria provided, single submitter. Criteria: ACMG Guidelines, 2015. Collection method: clinical testing. Allele origin: unknown.

Broad Center for Mendelian Genomics, Broad Institute of MIT and Harvard
Classification: Pathogenic for Gaucher disease. Last evaluated: 2020-01-13. Review status: criteria provided, single submitter. Criteria: ACMG Guidelines, 2015. Collection method: curation. Allele origin: germline. Inheritance: Autosomal recessive inheritance.
Comment: The p.Leu29AlafsTer18 variant in GBA has been reported in at least 70 individuals with Gaucher disease (PMID: 10777718, 19513999) and has been identified in 0.077% (8/10370) of Ashkenazi Jewish chromosomes, 0.006% (2/35440) of Latino chromosomes, and 0.002% (2/128886) of European (non-Finnish) chromosomes by the Genome Aggregation Database (gnomAD; dbSNP rs387906315). Although this variant has been seen in the general population, its frequency is low enough to be consistent with a recessive carrier frequency. This variant has also been reported in ClinVar (VariationID: 4302) as pathogenic by EGL Genetic Diagnostics, Counsyl, Integrated Genetics, and OMIM. This variant is predicted to cause a frameshift, which alters the protein's amino acid sequence beginning at position 29 and leads to a premature termination codon 18 amino acids downstream. This alteration is then predicted to lead to a truncated or absent protein. Loss of function of the GBA gene is an established disease mechanism in autosomal recessive Gaucher disease. The presence of this variant in combination with a reported pathogenic variant and in 70 individuals with Gaucher disease increases the likelihood that the p.Leu29AlafsTer18 variant is pathogenic (VariationID: 4290; PMID: 10777718, 19513999). In summary, this variant meets criteria to be classified as pathogenic for Gaucher disease in an autosomal recessive manner based on the prediction that it causes loss of function and the presence of the variant in combination with a known pathogenic variant. ACMG/AMP Criteria applied: PVS1, PM3_very-strong, PM2_supporting (Richards 2015).

NM_000157.4(GBA1):c.84dup (p.Leu29fs)

Gene: GBA1 (glucosylceramidase beta 1; minus strand). Cytogenetic location: 1q22.
Variant type: Duplication.
Coding change: c.84dup on transcript NM_000157.4 (MANE Select); coding-DNA position 84, one base duplicated (G; older notation c.84dupG).
Protein change: p.Leu29fs; shifts the reading frame from leucine 29.
Molecular consequence: frameshift variant. On other transcripts: intron variant (1).
Genome position (GRCh38, 1-based): chr1:155,240,661, C duplicated on the plus strand (G on the coding strand, the reverse complement: GBA1 is on the minus strand). VCF-style (leftmost placement, unchanged base first): chr1-155240660-G-GC. GRCh37 (hg19) VCF-style: chr1-155210451-G-GC.
Other names: 84GG; c.84dupG (NM_001005742.2, NM_000157.3); c.84dup (NM_001005741.2); c.84dup, p.Leu29fs (NM_001005741.3, NM_001005742.3, NM_001171812.2); c.-146-584dup (NM_001171811.2); short protein forms L29fs.
Identifiers: ClinVar variation 4302 (VCV000004302.57), dbSNP rs387906315, ClinGen allele CA221415.